The following is an entry in ClinVar:

NM_014244.5(ADAMTS2):c.89_90insAGATGTGTATAAGAGACAG (p.Pro31fs)

Gene: ADAMTS2 (ADAM metallopeptidase with thrombospondin type 1 motif 2; minus strand). Cytogenetic location: 5q35.3.
Variant type: Insertion.
Coding change: c.89_90insAGATGTGTATAAGAGACAG on transcript NM_014244.5 (MANE Select); coding-DNA positions 89 to 90, AGATGTGTATAAGAGACAG inserted.
Protein change: p.Pro31fs; shifts the reading frame from proline 31.
Molecular consequence: frameshift variant.
Genome position: GRCh38 VCF-style: chr5-179345239-C-CCTGTCTCTTATACACATCT. GRCh37 (hg19) VCF-style: chr5-178772240-C-CCTGTCTCTTATACACATCT.
Other names: c.89_90insAGATGTGTATAAGAGACAG, p.Pro31fs (NM_021599.4); short protein forms P31fs.
Identifiers: ClinVar variation 5010829 (VCV005010829.1).
Genomic context (GRCh38, chr5:179,345,239, plus strand): 5'-GCCGCACCTACCTGGGGGGTCGGCGGCGGCGGCGAGCCTGGCGTTCGCGGGCGGCGGCGG[C>CCTGTCTCTTATACACATCT]GGCGGCAGGAGCGGCGGCGGCAGCAGCAGCAGCAGCAGCAGCAGCGCGGGGCAGAGCAGG-3'

ClinVar aggregate classification (germline): Pathogenic (1 of 4 stars; one submission).

Conditions:
Ehlers-Danlos syndrome, dermatosparaxis type. Also called: EDS VIIC; Dermatosparaxis; Ehlers-Danlos syndrome, type VII, autosomal recessive. Identifiers: Orphanet 1901, MedGen C2700425, MONDO:0009161, OMIM 225410.

Submission:

Myriad Genetics, Inc.
Classification: Pathogenic for Ehlers-Danlos syndrome, dermatosparaxis type. Last evaluated: 2024-05-14. Review status: criteria provided, single submitter. Criteria: Myriad Autosomal Dominant, Autosomal Recessive and X-Linked Classification Criteria (2023). Collection method: clinical testing. Allele origin: unknown.
Comment: NM_014244.4(ADAMTS2):c.89_90ins19(P31Dfs*41) is expected to be pathogenic in the context of Ehlers-Danlos syndrome, ADAMTS2-related. This variant is predicted to lead to an abnormal or absent protein product due to the creation of a premature termination codon in ADAMTS2, a gene where loss-of-function variants are known to be pathogenic. Please note: this variant was assessed in the context of healthy population screening.